The following is an entry in ClinVar:

ClinVar aggregate classification (germline): Likely benign (0 of 4 stars; one submission).

Conditions:
KRT85-related disorder. Also called: KRT85-related condition.

Allele frequency attached by ClinVar (database versions not stated): gnomAD exomes below 0.00001; gnomAD 0.00001; TOPMed 0.00001.
gnomAD v4.1: 6 of 1,614,040 alleles (0.00037%); highest among the groups gnomAD compares: African/African-American, 0.0013%; no homozygotes.

Submission:

PreventionGenetics, part of Exact Sciences
Classification: Likely benign for KRT85-related condition. Last evaluated: 2019-02-21. Review status: no assertion criteria provided. Collection method: clinical testing. Allele origin: germline.
Comment: This variant is classified as likely benign based on ACMG/AMP sequence variant interpretation guidelines (Richards et al. 2015 PMID: 25741868, with internal and published modifications).

NM_002283.4(KRT85):c.795C>T (p.Arg265=)

Gene: KRT85 (keratin 85; minus strand). Cytogenetic location: 12q13.13.
Variant type: single nucleotide variant.
Coding change: c.795C>T on transcript NM_002283.4 (MANE Select); coding-DNA position 795, C replaced by T.
Protein change: p.Arg265=; no amino-acid change (arginine 265 retained).
Molecular consequence: synonymous variant.
Genome position (GRCh38, 1-based): chr12:52,363,402, G>A on the plus strand (C>T on the coding strand, the complement: KRT85 is on the minus strand). VCF-style: chr12-52363402-G-A. GRCh37 (hg19) VCF-style: chr12-52757186-G-A.
Other names: c.159C>T, p.Arg53= (NM_001300810.1).
Identifiers: ClinVar variation 3057368 (VCV003057368.2), dbSNP rs373479477, ClinGen allele CA237216385.